The following is an entry in ClinVar:

ClinVar aggregate classification (germline): Likely pathogenic (1 of 4 stars; one submission).

Conditions:
Peters plus syndrome. Also called: KRAUSE-KIVLIN SYNDROME. Identifiers: Orphanet 709, MedGen C0796012, MONDO:0009856, OMIM 261540.

Allele frequency attached by ClinVar (database versions not stated): ExAC 0.00002.

Submission:

Labcorp Genetics (formerly Invitae), Labcorp
Classification: Likely pathogenic for Peters plus syndrome. Last evaluated: 2023-05-05. Review status: criteria provided, single submitter. Criteria: Invitae Variant Classification Sherloc (09022015). Collection method: clinical testing. Allele origin: germline.
Comment: In summary, the currently available evidence indicates that the variant is pathogenic, but additional data are needed to prove that conclusively. Therefore, this variant has been classified as Likely Pathogenic. Algorithms developed to predict the effect of sequence changes on RNA splicing suggest that this variant may disrupt the consensus splice site. This variant has not been reported in the literature in individuals affected with B3GLCT-related conditions. The frequency data for this variant in the population databases is considered unreliable, as metrics indicate poor data quality at this position in the gnomAD database. This sequence change affects an acceptor splice site in intron 3 of the B3GLCT gene. It is expected to disrupt RNA splicing. Variants that disrupt the donor or acceptor splice site typically lead to a loss of protein function (PMID: 16199547), and loss-of-function variants in B3GLCT are known to be pathogenic (PMID: 18798333, 23889335).

Literature cited by the submitters: PubMed 16199547; PubMed 18798333; PubMed 23889335.

NM_194318.4(B3GLCT):c.161-1G>T

Gene: B3GLCT (beta 3-glucosyltransferase; plus strand). Cytogenetic location: 13q12.3.
Variant type: single nucleotide variant.
Coding change: c.161-1G>T on transcript NM_194318.4 (MANE Select); the canonical splice acceptor site of the intron before coding-DNA position 161, G replaced by T.
Molecular consequence: splice acceptor variant.
Genome position (GRCh38, 1-based): chr13:31,229,184, G>T. VCF-style: chr13-31229184-G-T. GRCh37 (hg19) VCF-style: chr13-31803321-G-T.
Identifiers: ClinVar variation 2718343 (VCV002718343.3), dbSNP rs779992631, ClinGen allele CA6936494.